The following is an entry in ClinVar:

NM_001429.4(EP300):c.5926C>T (p.Pro1976Ser)

Gene: EP300 (EP300 lysine acetyltransferase; plus strand). Cytogenetic location: 22q13.2.
Variant type: single nucleotide variant.
Coding change: c.5926C>T on transcript NM_001429.4 (MANE Select); coding-DNA position 5926, C replaced by T.
Protein change: p.Pro1976Ser; replaces proline 1976 with serine.
Molecular consequence: missense variant.
Genome position (GRCh38, 1-based): chr22:41,177,637, C>T. VCF-style: chr22-41177637-C-T. GRCh37 (hg19) VCF-style: chr22-41573641-C-T.
Other names: c.5848C>T, p.Pro1950Ser (NM_001362843.2); short protein forms P1950S, P1976S.
Identifiers: ClinVar variation 1215031 (VCV001215031.6), dbSNP rs1427345303, ClinGen allele CA411710364.

ClinVar aggregate classification (germline): Conflicting classifications of pathogenicity. Review status: criteria provided, conflicting classifications (1 of 4 stars). 4 submissions from 4 submitters: Uncertain significance (3); Likely benign (1). Last evaluated 2026-06-24.

Conditions:
Menke-Hennekam syndrome 2 (MKHK2). Identifiers: MedGen C5193035, MONDO:0020769, OMIM 618333.
Rubinstein-Taybi syndrome due to EP300 haploinsufficiency. Also called: RUBINSTEIN-TAYBI SYNDROME 2; EP300-Related Rubinstein-Taybi Syndrome. Identifiers: Orphanet 353284, Orphanet 783, MedGen C3150941, MONDO:0013364, OMIM 613684.
Colorectal cancer. Also called: Colorectal cancer, somatic; Malignant Colorectal Neoplasm. Identifiers: MedGen C0346629, MONDO:0005575, OMIM 114500.
EP300-related disorder. Also called: EP300-related condition; EP300-related disorders.
Inborn genetic diseases. Identifiers: MedGen C0950123, MeSH D030342.

Allele frequency attached by ClinVar (database versions not stated): gnomAD 0.00001; gnomAD exomes 0.00001; TOPMed 0.00002.
gnomAD v4.1: 15 of 1,613,980 alleles (0.00093%); highest among the groups gnomAD compares: Non-Finnish European, 0.0012%; no homozygotes.

Submissions (4):

PreventionGenetics, part of Exact Sciences
Classification: Uncertain significance for EP300-related condition. Last evaluated: 2026-06-24. Review status: criteria provided, single submitter. Criteria: ACMG Guidelines, 2015. Collection method: clinical testing. Allele origin: germline.
Comment: The EP300 c.5926C>T variant is predicted to result in the amino acid substitution p.Pro1976Ser. To our knowledge, this variant has not been reported in the literature. This variant is reported in 0.0065% of alleles in individuals of European (Non-Finnish) descent in gnomAD. Although we suspect that this variant may be benign, at this time, the clinical significance of this variant is uncertain due to the absence of conclusive functional and genetic evidence.

Ambry Genetics
Classification: Uncertain significance for Inborn genetic diseases. Last evaluated: 2025-02-20. Review status: criteria provided, single submitter. Criteria: Ambry Variant Classification Scheme 2023. Collection method: clinical testing. Allele origin: germline.

Fulgent Genetics
Classification: Uncertain significance for Colorectal cancer; Rubinstein-Taybi syndrome due to EP300 haploinsufficiency; Menke-Hennekam syndrome 2. Last evaluated: 2024-06-11. Review status: criteria provided, single submitter. Criteria: ACMG Guidelines, 2015. Collection method: clinical testing. Allele origin: germline.

GeneDx
Classification: Likely benign. Last evaluated: 2020-09-18. Review status: criteria provided, single submitter. Criteria: GeneDx Variant Classification Process June 2021. Collection method: clinical testing. Allele origin: germline. Affected: yes.